The following is an entry in ClinVar:

NM_005477.3(HCN4):c.1599G>A (p.Gln533=)

Gene: HCN4 (hyperpolarization activated cyclic nucleotide gated potassium channel 4; minus strand). Cytogenetic location: 15q24.1.
Variant type: single nucleotide variant.
Coding change: c.1599G>A on transcript NM_005477.3 (MANE Select); coding-DNA position 1599, G replaced by A.
Protein change: p.Gln533=; no amino-acid change (glutamine 533 retained).
Molecular consequence: synonymous variant.
Genome position (GRCh38, 1-based): chr15:73,325,436, C>T on the plus strand (G>A on the coding strand, the complement: HCN4 is on the minus strand). VCF-style: chr15-73325436-C-T. GRCh37 (hg19) VCF-style: chr15-73617777-C-T.
Identifiers: ClinVar variation 515084 (VCV000515084.1), dbSNP rs1555475630, ClinGen allele CA491150764.
Genomic context (GRCh38, chr15:73,325,436, plus strand): 5'-GTCGTGGATGCGCTGCCGGGTGTCGGGCGGGAGCTTGTGAAAGGACATGTACTGCTCCAC[C>T]TGCTTGTACTGAGGCCGGGAGAAGGGGGCGTCAGCTCCACCCCACCAGGGGGCGTCAGCA-3'
Protein context (NP_005468.1, residues 523-543): SRRQYQEKYK[Gln533=]VEQYMSFHKL

ClinVar aggregate classification (germline): Likely benign (1 of 4 stars; one submission).

Allele frequency attached by ClinVar (database versions not stated): gnomAD exomes 0.00001.
gnomAD v4.1: 3 of 1,614,108 alleles (0.00019%); highest among the groups gnomAD compares: East Asian, 0.0067%; no homozygotes.

Submission:

GeneDx
Classification: Likely benign. Last evaluated: 2018-01-25. Review status: criteria provided, single submitter. Criteria: GeneDx Variant Classification (06012015). Collection method: clinical testing. Allele origin: germline. Affected: yes.
Comment: This variant is considered likely benign or benign based on one or more of the following criteria: it is a conservative change, it occurs at a poorly conserved position in the protein, it is predicted to be benign by multiple in silico algorithms, and/or has population frequency not consistent with disease.